The following is an entry in ClinVar:

ClinVar aggregate classification (germline): Likely benign (0 of 4 stars; one submission).

Conditions:
HNRNPA2B1-related disorder. Also called: HNRNPA2B1-related condition.

Submission:

PreventionGenetics, part of Exact Sciences
Classification: Likely benign for HNRNPA2B1-related condition. Last evaluated: 2022-06-14. Review status: no assertion criteria provided. Collection method: clinical testing. Allele origin: germline.
Comment: This variant is classified as likely benign based on ACMG/AMP sequence variant interpretation guidelines (Richards et al. 2015 PMID: 25741868, with internal and published modifications).

NM_002137.4(HNRNPA2B1):c.-6T>G

Gene: HNRNPA2B1 (heterogeneous nuclear ribonucleoprotein A2/B1; minus strand). Cytogenetic location: 7p15.2.
Variant type: single nucleotide variant.
Coding change: c.-6T>G on transcript NM_002137.4 (MANE Select); 6 bases upstream of the start codon, T replaced by G.
Molecular consequence: 5 prime UTR variant.
Genome position (GRCh38, 1-based): chr7:26,200,583, A>C on the plus strand (T>G on the coding strand, the complement: HNRNPA2B1 is on the minus strand). VCF-style: chr7-26200583-A-C. GRCh37 (hg19) VCF-style: chr7-26240203-A-C.
Other names: c.-6T>G (NM_031243.4).
Identifiers: ClinVar variation 3354469 (VCV003354469.1).